The following is an entry in ClinVar:

NM_000260.4(MYO7A):c.2115C>A (p.Cys705Ter)

Gene: MYO7A (myosin VIIA; plus strand). Cytogenetic location: 11q13.5.
Variant type: single nucleotide variant.
Coding change: c.2115C>A on transcript NM_000260.4 (MANE Select); coding-DNA position 2115, C replaced by A.
Protein change: p.Cys705Ter; replaces cysteine 705 with a stop codon.
Molecular consequence: nonsense.
Genome position (GRCh38, 1-based): chr11:77,175,392, C>A. VCF-style: chr11-77175392-C-A. GRCh37 (hg19) VCF-style: chr11-76886438-C-A.
Other names: c.2115C>A, p.Cys705Ter (NM_001127180.2); c.2082C>A, p.Cys694Ter (NM_001369365.1); short protein forms C705*, C694*.
Identifiers: ClinVar variation 228377 (VCV000228377.12), dbSNP rs782255281, ClinGen allele CA6197712.

ClinVar aggregate classification (germline): Pathogenic. Review status: criteria provided, multiple submitters, no conflicts (2 of 4 stars). 6 submissions from 6 submitters: Pathogenic (5). 1 of the submissions does not count toward it. Last evaluated 2026-05-14.

Conditions:
Rare genetic deafness. Identifiers: Orphanet 96210, MedGen C5680250.
Usher syndrome type 1 (USH1). Also called: RETINITIS PIGMENTOSA AND CONGENITAL DEAFNESS. Identifiers: Orphanet 231169, Orphanet 886, MedGen C1568247, MONDO:0010168, OMIM 276900.
Autosomal recessive nonsyndromic hearing loss 2. Also called: DEAFNESS, AUTOSOMAL RECESSIVE 2; NEUROSENSORY NONSYNDROMIC RECESSIVE DEAFNESS 2. Identifiers: Orphanet 90636, MedGen C1838701, MONDO:0010807, OMIM 600060.
Usher syndrome type 1B (USH1B). Also called: Usher syndrome type IB. Identifiers: MedGen C1848638, MONDO:0700087.

Allele frequency attached by ClinVar (database versions not stated): gnomAD exomes 0.00001; ExAC 0.00002.
gnomAD v4.1: 4 of 1,613,242 alleles (0.00025%); highest among the groups gnomAD compares: East Asian, 0.0067%; no homozygotes.

Submissions (6):

Myriad Genetics, Inc.
Classification: Pathogenic for Usher syndrome type 1. Last evaluated: 2026-05-14. Review status: criteria provided, single submitter. Criteria: Myriad Autosomal Dominant, Autosomal Recessive and X-Linked Classification Criteria (2023). Collection method: clinical testing. Allele origin: unknown.
Comment: NM_000260.3(MYO7A):c.2115C>A(C705*) is a nonsense variant classified as pathogenic in the context of MYO7A-related disorders. C705* has been observed in cases with relevant disease (PMID: 25373420, 38594301, 24618850, 26791358). Relevant functional assessments of this variant are not available in the literature. C705* has been observed in referenced population frequency databases. In summary, NM_000260.3(MYO7A):c.2115C>A(C705*) is a nonsense variant that has been observed more frequently in cases with the relevant disease than in healthy populations. Please note: this variant was assessed in the context of healthy population screening.

Natera, Inc.
Classification: Pathogenic for Usher syndrome type 1B. Last evaluated: 2025-09-12. Review status: criteria provided, single submitter. Criteria: Natera Variant Classification Schema (03/2026). Collection method: clinical testing. Allele origin: germline.
Comment: The c.2115C>A variant in MYO7A is a nonsense variant predicted to introduce a stop codon at amino acid 705. This variant is expected to result in nonsense mediated decay, truncation, or a dysfunctional protein product. This variant is rare in the general population with a frequency below the threshold expected for the associated phenotype(s). This variant has been observed in one or more individuals affected with the associated recessive disease, as either homozygous or compound heterozygous with a second variant (PMID: 38594301). Given the available evidence, this variant is classified as Pathogenic.

3billion
Classification: Pathogenic for Usher syndrome type 1. Last evaluated: 2024-09-25. Review status: criteria provided, single submitter. Criteria: ACMG Guidelines, 2015. Collection method: clinical testing. Allele origin: germline. Affected: yes.
Comment: The variant is observed at an extremely low frequency in the gnomAD v4.0.0 dataset (total allele frequency: <0.001%). Predicted Consequence/Location: Stop-gained (nonsense): predicted to result in a loss or disruption of normal protein function through nonsense-mediated decay (NMD) or protein truncation. Multiple pathogenic variants are reported downstream of the variant. The variant has been reported at least twice as pathogenic without evidence for the classification (ClinVar ID: VCV000228377 /PMID: 24618850 /3billion dataset). Therefore, this variant is classified as Pathogenic according to the recommendation of ACMG/AMP guideline.

Labcorp Genetics (formerly Invitae), Labcorp
Classification: Pathogenic. Last evaluated: 2024-09-17. Review status: criteria provided, single submitter. Criteria: Invitae Variant Classification Sherloc (09022015). Collection method: clinical testing. Allele origin: germline.
Comment: This sequence change creates a premature translational stop signal (p.Cys705*) in the MYO7A gene. It is expected to result in an absent or disrupted protein product. Loss-of-function variants in MYO7A are known to be pathogenic (PMID: 8900236, 25404053). This variant is present in population databases (rs782255281, gnomAD 0.01%). This premature translational stop signal has been observed in individual(s) with Usher syndrome (PMID: 24618850, 33691693). ClinVar contains an entry for this variant (Variation ID: 228377). For these reasons, this variant has been classified as Pathogenic.

Laboratory for Molecular Medicine, Mass General Brigham Personalized Medicine
Classification: Pathogenic for Rare genetic deafness. Last evaluated: 2015-06-10. Review status: criteria provided, single submitter. Criteria: LMM Criteria. Collection method: clinical testing. Allele origin: germline. Inheritance: Autosomal recessive inheritance. Observed: 2 variant alleles.
Comment: The p.Cys705X variant in MYO7A has been reported as a homozygous variant in one individual with Usher syndrome type 1 (Yoshimura 2014). It has also been identif ied in 2/8608 East Asian chromosomes by the Exome Aggregation Consortium. Although this variant has been seen in the general po pulation, its frequency is low enough to be consistent with a recessive carrier frequency. This nonsense variant creates a premature termination codon at positi on 705 and is predicted to lead to a truncated or absent protein. In summary, th is variant meets our criteria to be classified as pathogenic for Usher syndrome.

Genetic Testing Center for Deafness, Department of Otolaryngology Head & Neck Surgery, Institute of Otolaryngology, Chinese PLA General Hospital
Classification: Pathogenic for Autosomal recessive nonsyndromic hearing loss 2. Last evaluated: 2019-02-26. Review status: no assertion criteria provided. Collection method: case-control. Allele origin: inherited. Affected: yes. Observed: 1 variant allele. Not counted in ClinVar's aggregate classification.

Literature cited by the submitters: PubMed 24618850 (cited by 4 submitters); PubMed 25373420 (cited by Myriad Genetics, Inc.); PubMed 26791358 (cited by Myriad Genetics, Inc.); PubMed 38594301 (cited by Myriad Genetics, Inc. and Natera, Inc.); PubMed 8900236 (cited by Labcorp Genetics (formerly Invitae), Labcorp); PubMed 25404053 (cited by Labcorp Genetics (formerly Invitae), Labcorp); PubMed 33691693 (cited by Labcorp Genetics (formerly Invitae), Labcorp).